The following is an entry in ClinVar:

NM_001278512.2(AP3B2):c.3155+9C>A

Genes: AP3B2 (adaptor related protein complex 3 subunit beta 2; minus strand), CPEB1-AS1 (CPEB1 antisense RNA 1; plus strand). Cytogenetic location: 15q25.2.
Variant type: single nucleotide variant.
Coding change: c.3155+9C>A on transcript NM_001278512.2 (MANE Select); 9 bases into the intron after coding-DNA position 3155, C replaced by A.
Molecular consequence: intron variant.
Genome position (GRCh38, 1-based): chr15:82,659,836, G>T on the plus strand (C>A on the coding strand, the complement: AP3B2 is on the minus strand). VCF-style: chr15-82659836-G-T. GRCh37 (hg19) VCF-style: chr15-83328588-G-T.
Other names: c.3002+9C>A (NM_001278511.2); c.3098+9C>A (NM_004644.5, NM_004644.4); c.287+9C>A (NM_001348441.2).
Identifiers: ClinVar variation 1672473 (VCV001672473.10), dbSNP rs375416338, ClinGen allele CA7699688.

ClinVar aggregate classification (germline): Likely benign. Review status: criteria provided, single submitter (1 of 4 stars). 2 submissions from 2 submitters: Likely benign (1). 1 of the submissions does not count toward it. Last evaluated 2026-01-13.

Conditions:
AP3B2-related disorder. Also called: AP3B2-related condition.

Allele frequency attached by ClinVar (database versions not stated): ExAC 0.00008; gnomAD 0.00018 and 0.00019; ESP Exome Variant Server 0.00008; gnomAD exomes 0.00026 and 0.00010; TOPMed 0.00012.
gnomAD v4.1: 403 of 1,613,622 alleles (0.025%); highest among the groups gnomAD compares: Non-Finnish European, 0.033%; no homozygotes.

Submissions (2):

Labcorp Genetics (formerly Invitae), Labcorp
Classification: Likely benign. Last evaluated: 2026-01-13. Review status: criteria provided, single submitter. Criteria: Invitae Variant Classification Sherloc (09022015). Collection method: clinical testing. Allele origin: germline.

PreventionGenetics, part of Exact Sciences
Classification: Likely benign for AP3B2-related condition. Last evaluated: 2019-03-14. Review status: no assertion criteria provided. Collection method: clinical testing. Allele origin: germline. Not counted in ClinVar's aggregate classification.
Comment: This variant is classified as likely benign based on ACMG/AMP sequence variant interpretation guidelines (Richards et al. 2015 PMID: 25741868, with internal and published modifications).